The following is an entry in ClinVar:

NM_002449.5(MSX2):c.152C>T (p.Ala51Val)

Gene: MSX2 (msh homeobox 2; plus strand). Cytogenetic location: 5q35.2.
Variant type: single nucleotide variant.
Coding change: c.152C>T on transcript NM_002449.5 (MANE Select); coding-DNA position 152, C replaced by T.
Protein change: p.Ala51Val; replaces alanine 51 with valine.
Molecular consequence: missense variant.
Genome position (GRCh38, 1-based): chr5:174,724,811, C>T. VCF-style: chr5-174724811-C-T. GRCh37 (hg19) VCF-style: chr5-174151814-C-T.
Other names: c.152C>T, p.Ala51Val (NM_001363626.2); short protein forms A51V.
Identifiers: ClinVar variation 1392659 (VCV001392659.8), dbSNP rs1344807799, ClinGen allele CA362229228.

ClinVar aggregate classification (germline): Uncertain significance (1 of 4 stars; one submission).

Conditions:
Cranium bifidum occultum. Also called: Enlarged Parietal Foramina; CATLIN MARKS; CRANIUM BIFIDUM, HEREDITARY. Identifiers: MedGen C1868598, HP:0004423.

gnomAD v4.1: 1 of 1,551,628 alleles (0.000064%); highest among the groups gnomAD compares: Non-Finnish European, 0.000087%; no homozygotes.

Submission:

Labcorp Genetics (formerly Invitae), Labcorp
Classification: Uncertain significance for Cranium bifidum occultum. Last evaluated: 2021-05-03. Review status: criteria provided, single submitter. Criteria: Invitae Variant Classification Sherloc (09022015). Collection method: clinical testing. Allele origin: germline.
Comment: Algorithms developed to predict the effect of missense changes on protein structure and function are either unavailable or do not agree on the potential impact of this missense change (SIFT: "Deleterious"; PolyPhen-2: "Probably Damaging"; Align-GVGD: "Class C0"). In summary, the available evidence is currently insufficient to determine the role of this variant in disease. Therefore, it has been classified as a Variant of Uncertain Significance. Algorithms developed to predict the effect of sequence changes on RNA splicing suggest that this variant may create or strengthen a splice site, but this prediction has not been confirmed by published transcriptional studies. This variant has not been reported in the literature in individuals with MSX2-related conditions. The frequency data for this variant in the population databases is considered unreliable, as metrics indicate insufficient coverage at this position in the ExAC database. This sequence change replaces alanine with valine at codon 51 of the MSX2 protein (p.Ala51Val). The alanine residue is moderately conserved and there is a small physicochemical difference between alanine and valine.